The following is an entry in ClinVar:

NM_001267550.2(TTN):c.83017C>A (p.Pro27673Thr)

Genes: TTN (titin; minus strand), TTN-AS1 (TTN antisense RNA 1; plus strand). Cytogenetic location: 2q31.2.
Variant type: single nucleotide variant.
Coding change: c.83017C>A on transcript NM_001267550.2 (MANE Select); coding-DNA position 83017, C replaced by A.
Protein change: p.Pro27673Thr; replaces proline 27673 with threonine.
Molecular consequence: missense variant.
Genome position (GRCh38, 1-based): chr2:178,563,115, G>T on the plus strand (C>A on the coding strand, the complement: TTN is on the minus strand). VCF-style: chr2-178563115-G-T. GRCh37 (hg19) VCF-style: chr2-179427842-G-T.
Other names: c.78094C>A, p.Pro26032Thr (NM_001256850.1); c.55822C>A, p.Pro18608Thr (NM_003319.4); c.75313C>A, p.Pro25105Thr (NM_133378.4); c.56197C>A, p.Pro18733Thr (NM_133432.3); c.56398C>A, p.Pro18800Thr (NM_133437.4); short protein forms P27673T, P25105T, P26032T, P18608T, P18733T, P18800T.
Identifiers: ClinVar variation 404943 (VCV000404943.12), dbSNP rs769343491, ClinGen allele CA1988986.
Genomic context (GRCh38, chr2:178,563,115, plus strand): 5'-AAGTAGCACTTGCACGCAGAACGACCACCTTTCTGAGATCAGCATCGAGTTCTATTTCTG[G>T]TGGCTCTATCCTCTCCTGAGCAACCACTGAGCCAGGTAGAGTTGCAGGTTCACCTACACC-3'
Protein context (NP_001254479.2, residues 27663-27683): SVVAQERIEP[Pro27673Thr]EIELDADLRK

ClinVar aggregate classification (germline): Conflicting classifications of pathogenicity. Review status: criteria provided, conflicting classifications (1 of 4 stars). 4 submissions from 4 submitters: Uncertain significance (3); Likely benign (1). Last evaluated 2019-08-08.

Conditions:
Dilated cardiomyopathy 1G (CMD1G). Identifiers: Orphanet 154, MedGen C1858763, MONDO:0011400, OMIM 604145.
Autosomal recessive limb-girdle muscular dystrophy type 2J (LGMDR10). Also called: Limb-girdle muscular dystrophy, type 2J; MUSCULAR DYSTROPHY, LIMB-GIRDLE, AUTOSOMAL RECESSIVE 10. Identifiers: Orphanet 140922, MedGen C1837342, MONDO:0012127, OMIM 608807.

Allele frequency attached by ClinVar (database versions not stated): TOPMed below 0.00001; gnomAD 0.00001; gnomAD exomes 0.00001 and 0.00002; ExAC 0.00002.
gnomAD v4.1: 5 of 1,613,554 alleles (0.00031%); highest among the groups gnomAD compares: Admixed American, 0.0083%; no homozygotes.

Submissions (4):

Revvity Omics, Revvity
Classification: Uncertain significance. Last evaluated: 2019-08-08. Review status: criteria provided, single submitter. Criteria: ACMG Guidelines, 2015. Collection method: clinical testing. Allele origin: germline.

GeneDx
Classification: Likely benign. Last evaluated: 2018-05-22. Review status: criteria provided, single submitter. Criteria: GeneDx Variant Classification (06012015). Collection method: clinical testing. Allele origin: germline. Affected: yes.
Comment: This variant is considered likely benign or benign based on one or more of the following criteria: it is a conservative change, it occurs at a poorly conserved position in the protein, it is predicted to be benign by multiple in silico algorithms, and/or has population frequency not consistent with disease.

Labcorp Genetics (formerly Invitae), Labcorp
Classification: Uncertain significance for Dilated cardiomyopathy 1G; Autosomal recessive limb-girdle muscular dystrophy type 2J. Last evaluated: 2017-07-03. Review status: criteria provided, single submitter. Criteria: Invitae Variant Classification Sherloc (09022015). Collection method: clinical testing. Allele origin: germline.

Eurofins Ntd Llc (ga)
Classification: Uncertain significance. Last evaluated: 2017-02-27. Review status: criteria provided, single submitter. Criteria: EGL Classification Definitions 2015. Collection method: clinical testing. Allele origin: germline. Observed: 2 variant alleles, 2 heterozygotes.